The following is an entry in ClinVar:

NM_001348716.2(KDM6B):c.4174G>C (p.Glu1392Gln)

Genes: KDM6B (lysine demethylase 6B; plus strand), LOC121587574 (Sharpr-MPRA regulatory region 3930; plus strand). Cytogenetic location: 17p13.1.
Variant type: single nucleotide variant.
Coding change: c.4174G>C on transcript NM_001348716.2 (MANE Select); coding-DNA position 4174, G replaced by C.
Protein change: p.Glu1392Gln; replaces glutamic acid 1392 with glutamine.
Molecular consequence: missense variant.
Genome position (GRCh38, 1-based): chr17:7,851,959, G>C. VCF-style: chr17-7851959-G-C. GRCh37 (hg19) VCF-style: chr17-7755277-G-C.
Other names: c.4174G>C, p.Glu1392Gln (NM_001080424.2); short protein forms E1392Q.
Identifiers: ClinVar variation 1738440 (VCV001738440.2), dbSNP rs1232287616, ClinGen allele CA397927146.
Genomic context (GRCh38, chr17:7,851,959, plus strand): 5'-GGATCGCAGTTCCGACCTGGCCAGCCATGCCGTTCTCTGTCGACCCCTGCAGGCCACCAG[G>C]AGAATAACAACTTCTGCTCCGTCAACATCAACATTGGCCCAGGCGACTGCGAGTGGTTCG-3'
Protein context (NP_001335645.1, residues 1382-1402): VPGSRTPGHQ[Glu1392Gln]NNNFCSVNIN

ClinVar aggregate classification (germline): Uncertain significance (1 of 4 stars; one submission).

Conditions:
Inborn genetic diseases. Identifiers: MedGen C0950123, MeSH D030342.

Submission:

Ambry Genetics
Classification: Uncertain significance for Inborn genetic diseases. Last evaluated: 2022-03-03. Review status: criteria provided, single submitter. Criteria: Ambry Variant Classification Scheme 2023. Collection method: clinical testing. Allele origin: germline.
Comment: The c.4174G>C (p.E1392Q) alteration is located in exon 18 (coding exon 15) of the KDM6B gene. This alteration results from a G to C substitution at nucleotide position 4174, causing the glutamic acid (E) at amino acid position 1392 to be replaced by a glutamine (Q). This variant was not reported in population-based cohorts in the Genome Aggregation Database (gnomAD). This amino acid position is highly conserved in available vertebrate species. This missense alteration is located in a region that has a low rate of benign missense variation (Lek, 2016; Firth, 2009). This alteration is located in the JmjC catalytic domain. Based on internal structural analysis, this variant is anticipated to result in a significant decrease in structural stability (Jones, 2018). The in silico prediction for this alteration is inconclusive. Based on insufficient or conflicting evidence, the clinical significance of this alteration remains unclear.

Literature cited by the submitters: PubMed 29220567.